The following is an entry in ClinVar:

ClinVar aggregate classification (germline): Pathogenic. Review status: reviewed by expert panel (3 of 4 stars). 6 submissions from 6 submitters: Pathogenic (1). 5 of the submissions do not count toward it. Last evaluated 2016-09-08.

Conditions:
Gastric cancer. Also called: Stomach cancer; Malignant tumor of stomach. Identifiers: MedGen C0024623, MeSH D013274, MONDO:0001056, OMIM 613659, HP:0012126.
Hereditary cancer-predisposing syndrome. Also called: Hereditary Cancer Syndrome; Neoplastic Syndromes, Hereditary; Hereditary neoplastic syndrome; Tumor predisposition. Identifiers: Orphanet 140162, MedGen C0027672, MeSH D009386, MONDO:0015356.
Hereditary breast ovarian cancer syndrome. Also called: Hereditary breast and ovarian cancer syndrome; Breast and ovarian cancer; BRCA1- and BRCA2-Associated Hereditary Breast and Ovarian Cancer; Hereditary breast and/or ovarian cancer syndrome; Hereditary breast and ovarian cancer; Hereditary breast and ovarian cancer syndrome (HBOC). Identifiers: Orphanet 145, MedGen C0677776, MeSH D061325, MONDO:0003582. Disease mechanism: loss of function.
Breast-ovarian cancer, familial, susceptibility to, 2 (BROVCA2). Also called: BRCA2 Hereditary Breast and Ovarian Cancer. Identifiers: Orphanet 145, MedGen C2675520, MONDO:0012933, OMIM 612555. Disease mechanism: loss of function.

Submissions (6):

Evidence-based Network for the Interpretation of Germline Mutant Alleles (ENIGMA)
Classification: Pathogenic for Breast-ovarian cancer, familial, susceptibility to, 2. Last evaluated: 2016-09-08. Review status: reviewed by expert panel. Criteria: ENIGMA BRCA1/2 Classification Criteria (2015). Collection method: curation. Allele origin: germline.
Comment: Variant allele predicted to encode a truncated non-functional protein.

Labcorp Genetics (formerly Invitae), Labcorp
Classification: Pathogenic for Hereditary breast ovarian cancer syndrome. Last evaluated: 2024-04-01. Review status: criteria provided, single submitter. Criteria: Invitae Variant Classification Sherloc (09022015). Collection method: clinical testing. Allele origin: germline. Not counted in ClinVar's aggregate classification.
Comment: This sequence change creates a premature translational stop signal (p.Glu2877*) in the BRCA2 gene. It is expected to result in an absent or disrupted protein product. Loss-of-function variants in BRCA2 are known to be pathogenic (PMID: 20104584). This variant is not present in population databases (gnomAD no frequency). This premature translational stop signal has been observed in individual(s) with personal or family history of breast and/or ovarian cancer (PMID: 29176636, 29446198). ClinVar contains an entry for this variant (Variation ID: 52636). For these reasons, this variant has been classified as Pathogenic.

Ambry Genetics
Classification: Pathogenic for Hereditary cancer-predisposing syndrome. Last evaluated: 2021-05-17. Review status: criteria provided, single submitter. Criteria: Ambry Variant Classification Scheme 2023. Collection method: clinical testing. Allele origin: germline. Not counted in ClinVar's aggregate classification.
Comment: The p.E2877* pathogenic mutation (also known as c.8629G>T), located in coding exon 19 of the BRCA2 gene, results from a G to T substitution at nucleotide position 8629. This changes the amino acid from a glutamic acid to a stop codon within coding exon 19. This alteration has been identified in prostate and breast cancer cohorts from Japan (Momozawa Y et al. Nat Commun, 2018 10;9:4083; Kosaka T et al. Pathol Int, 2019 Dec;69:715-720; Momozawa Y et al. J Natl Cancer Inst, 2020 04;112:369-376). This alteration was also identified in a large, worldwide study of BRCA1/2 mutation positive families (Rebbeck TR et al. Hum Mutat, 2018 05;39:593-620). In addition to the clinical data presented in the literature, this alteration is expected to result in loss of function by premature protein truncation or nonsense-mediated mRNA decay. As such, this alteration is interpreted as a disease-causing mutation.

Consortium of Investigators of Modifiers of BRCA1/2 (CIMBA), c/o University of Cambridge
Classification: Pathogenic for Breast-ovarian cancer, familial, susceptibility to, 2. Last evaluated: 2015-10-02. Review status: criteria provided, single submitter. Criteria: CIMBA Mutation Classification guidelines May 2016. Collection method: clinical testing. Allele origin: germline. Not counted in ClinVar's aggregate classification.

Laboratory for Genotyping Development, RIKEN
Classification: Pathogenic for Gastric cancer. Last evaluated: 2021-07-01. Review status: no assertion criteria provided. Collection method: research. Allele origin: germline. Not counted in ClinVar's aggregate classification.

Breast Cancer Information Core (BIC) (BRCA2)
Classification: Pathogenic for Breast-ovarian cancer, familial 2. Last evaluated: 2003-12-23. Review status: no assertion criteria provided. Collection method: clinical testing. Allele origin: germline. Affected: yes. Observed: 1 variant allele. Not counted in ClinVar's aggregate classification.

Literature cited by the submitters: PubMed 20104584 (cited by Labcorp Genetics (formerly Invitae), Labcorp); PubMed 29176636 (cited by Labcorp Genetics (formerly Invitae), Labcorp); PubMed 29446198 (cited by Labcorp Genetics (formerly Invitae), Labcorp and Ambry Genetics); PubMed 30287823 (cited by Ambry Genetics); PubMed 31214711 (cited by Ambry Genetics); PubMed 31631483 (cited by Ambry Genetics); PubMed 36988593 (cited by Laboratory for Genotyping Development, RIKEN).

NM_000059.4(BRCA2):c.8629G>T (p.Glu2877Ter)

Gene: BRCA2 (BRCA2 DNA repair associated; plus strand). Cytogenetic location: 13q13.1.
Variant type: single nucleotide variant.
Coding change: c.8629G>T on transcript NM_000059.4 (MANE Select); coding-DNA position 8629, G replaced by T.
Protein change: p.Glu2877Ter; replaces glutamic acid 2877 with a stop codon.
Molecular consequence: nonsense.
Genome position (GRCh38, 1-based): chr13:32,371,097, G>T. VCF-style: chr13-32371097-G-T. GRCh37 (hg19) VCF-style: chr13-32945234-G-T.
Other names: short protein forms E2877*.
Identifiers: ClinVar variation 52636 (VCV000052636.31), dbSNP rs80359121, ClinGen allele CA025737.
Genomic context (GRCh38, chr13:32,371,097, plus strand): 5'-GCCCAACAAAAGAGACTAGAAGCCTTATTCACTAAAATTCAGGAGGAATTTGAAGAACAT[G>T]AAGGTAAAATTAGTTATATGGTACACATTGTTATTTCTAATATGAGAACAAAGTCTTAGA-3'